The following is an entry in ClinVar:

ClinVar aggregate classification (germline): Likely pathogenic. Review status: criteria provided, single submitter (1 of 4 stars). 3 submissions from 2 submitters: Likely pathogenic (1). 2 of the submissions do not count toward it. Last evaluated 2022-08-12.

Conditions:
G6PD REHOVOT.
Anemia, nonspherocytic hemolytic, due to G6PD deficiency (CNSHA1). Also called: ANEMIA, CONGENITAL, NONSPHEROCYTIC HEMOLYTIC, 1; Class I glucose-6-phosphate dehydrogenase deficiency; Favism, susceptibility to; Hemolytic anemia due to G6PD deficiency. Identifiers: Orphanet 466026, MedGen C2720289, MONDO:0010480, OMIM 300908.

Submissions (3):

Dunham Lab, University of Washington
Classification: Likely pathogenic for Anemia, nonspherocytic hemolytic, due to G6PD deficiency. Last evaluated: 2022-08-12. Review status: criteria provided, single submitter. Criteria: Bayesian ACMG Guidelines, 2018. Collection method: curation. Allele origin: maternal. Affected: yes.
Comment: Variant found in three hemizygous borthers with deficiency and CNSHA, inherited from heterozygous mother (PP1, PP4). Undetectable activity in red blood cells of hemizygotes (PS3). Not found in gnomAD (PM2). Post_P 0.975 (odds of pathogenicity 350.3, Prior_P 0.1).

OMIM
Classification: other for G6PD REHOVOT. Last evaluated: 2000-12-01. Review status: no assertion criteria provided. Collection method: literature only. Allele origin: germline. Not counted in ClinVar's aggregate classification.

OMIM
Classification: Pathogenic for ANEMIA, CONGENITAL, NONSPHEROCYTIC HEMOLYTIC, 1. Last evaluated: 2000-12-01. Review status: no assertion criteria provided. Collection method: literature only. Allele origin: germline. Not counted in ClinVar's aggregate classification.

Literature cited by the submitters: PubMed 11112389 (cited by Dunham Lab, University of Washington and OMIM).

NM_000402.4(G6PD):c.1054T>C (p.Tyr352His)

Gene: G6PD (glucose-6-phosphate dehydrogenase; minus strand). Cytogenetic location: Xq28.
Variant type: single nucleotide variant.
Coding change: c.1054T>C on transcript NM_000402.4; coding-DNA position 1054, T replaced by C.
Protein change: p.Tyr352His; replaces tyrosine 352 with histidine.
Molecular consequence: missense variant.
Genome position (GRCh38, 1-based): chrX:154,533,029, A>G on the plus strand (T>C on the coding strand, the complement: G6PD is on the minus strand). VCF-style: chrX-154533029-A-G. GRCh37 (hg19) VCF-style: chrX-153761244-A-G.
Other names: G6PD, TYR322HIS; G6PD Rehovot; c.964T>C, p.Tyr322His (NM_001042351.3, NM_001360016.2); short protein forms Y322H, Y352H.
Identifiers: ClinVar variation 10414 (VCV000010414.5), dbSNP rs137852347, ClinGen allele CA121049.